The following is an entry in ClinVar:

NM_020987.5(ANK3):c.4303A>C (p.Thr1435Pro)

Gene: ANK3 (ankyrin 3; minus strand). Cytogenetic location: 10q21.2.
Variant type: single nucleotide variant.
Coding change: c.4303A>C on transcript NM_020987.5 (MANE Select); coding-DNA position 4303, A replaced by C.
Protein change: p.Thr1435Pro; replaces threonine 1435 with proline.
Molecular consequence: missense variant.
Genome position (GRCh38, 1-based): chr10:60,082,635, T>G on the plus strand (A>C on the coding strand, the complement: ANK3 is on the minus strand). VCF-style: chr10-60082635-T-G. GRCh37 (hg19) VCF-style: chr10-61842393-T-G.
Other names: c.1705A>C, p.Thr569Pro (NM_001149.4); c.4285A>C, p.Thr1429Pro (NM_001204403.2); c.4306A>C, p.Thr1436Pro (NM_001204404.2); c.4303A>C, p.Thr1435Pro (NM_001320874.2); short protein forms T1429P, T1435P, T1436P, T569P.
Identifiers: ClinVar variation 4538907 (VCV004538907.1).
Genomic context (GRCh38, chr10:60,082,635, plus strand): 5'-AGACCAGGGAAAGACAATTTAAAGCAGTATTAAAAGATACCTTTTTATGTGCTGGCAGAG[T>G]GATATTTAAGTTGCAAACCGCTGTTTGAGGCAGTCCTTTTGTTGTCTTTGGTTCTTTCAG-3'
Protein context (NP_066267.2, residues 1425-1445): PQTAVCNLNI[Thr1435Pro]LPAHKKETES

ClinVar aggregate classification (germline): Uncertain significance (1 of 4 stars; one submission).

Submission:

GeneDx
Classification: Uncertain significance. Last evaluated: 2025-06-17. Review status: criteria provided, single submitter. Criteria: GeneDx Variant Classification Process June 2021. Collection method: clinical testing. Allele origin: germline. Affected: yes.
Comment: Not observed at significant frequency in large population cohorts (gnomAD); In silico analysis supports that this missense variant has a deleterious effect on protein structure/function; Has not been previously published as pathogenic or benign to our knowledge